The following is an entry in ClinVar:

ClinVar aggregate classification (germline): Uncertain significance (1 of 4 stars; one submission).

Conditions:
Hereditary cancer-predisposing syndrome. Also called: Hereditary neoplastic syndrome; Neoplastic Syndromes, Hereditary; Tumor predisposition; Hereditary Cancer Syndrome. Identifiers: Orphanet 140162, MedGen C0027672, MeSH D009386, MONDO:0015356.

Submission:

Ambry Genetics
Classification: Uncertain significance for Hereditary cancer-predisposing syndrome. Last evaluated: 2025-01-20. Review status: criteria provided, single submitter. Criteria: Ambry Variant Classification Scheme 2023. Collection method: clinical testing. Allele origin: germline.
Comment: The p.L272M variant (also known as c.814C>A), located in coding exon 6 of the CDK4 gene, results from a C to A substitution at nucleotide position 814. The leucine at codon 272 is replaced by methionine, an amino acid with highly similar properties. This amino acid position is highly conserved in available vertebrate species. In addition, the in silico prediction for this alteration is inconclusive. Based on the available evidence, the clinical significance of this variant remains unclear.

NM_000075.4(CDK4):c.814C>A (p.Leu272Met)

Genes: CDK4 (cyclin dependent kinase 4; minus strand), TSPAN31 (tetraspanin 31; plus strand). Cytogenetic location: 12q14.1.
Variant type: single nucleotide variant.
Coding change: c.814C>A on transcript NM_000075.4 (MANE Select); coding-DNA position 814, C replaced by A.
Protein change: p.Leu272Met; replaces leucine 272 with methionine.
Molecular consequence: missense variant. On other transcripts: 3 prime UTR variant (3).
Genome position (GRCh38, 1-based): chr12:57,749,187, G>T on the plus strand (C>A on the coding strand, the complement: CDK4 is on the minus strand). VCF-style: chr12-57749187-G-T. GRCh37 (hg19) VCF-style: chr12-58142970-G-T.
Other names: c.*1897G>T (NM_001330168.2, NM_001330169.2, NM_005981.5); short protein forms L272M.
Identifiers: ClinVar variation 3830867 (VCV003830867.1).